The following is an entry in ClinVar:

ClinVar aggregate classification (germline): Likely benign. Review status: criteria provided, single submitter (1 of 4 stars). 2 submissions from 2 submitters: Likely benign (1). 1 of the submissions does not count toward it. Last evaluated 2024-10-14.

Conditions:
PLXNA2-related disorder. Also called: PLXNA2-related condition.

Allele frequency attached by ClinVar (database versions not stated): ExAC 0.00001; gnomAD exomes 0.00001 and 0.00002; gnomAD 0.00003; TOPMed 0.00003.
gnomAD v4.1: 33 of 1,614,106 alleles (0.002%); highest among the groups gnomAD compares: East Asian, 0.027%; no homozygotes.

Submissions (2):

Labcorp Genetics (formerly Invitae), Labcorp
Classification: Likely benign. Last evaluated: 2024-10-14. Review status: criteria provided, single submitter. Criteria: Invitae Variant Classification Sherloc (09022015). Collection method: clinical testing. Allele origin: germline.

PreventionGenetics, part of Exact Sciences
Classification: Likely benign for PLXNA2-related condition. Last evaluated: 2023-01-05. Review status: no assertion criteria provided. Collection method: clinical testing. Allele origin: germline. Not counted in ClinVar's aggregate classification.
Comment: This variant is classified as likely benign based on ACMG/AMP sequence variant interpretation guidelines (Richards et al. 2015 PMID: 25741868, with internal and published modifications).

NM_025179.4(PLXNA2):c.2172G>A (p.Ala724=)

Gene: PLXNA2 (plexin A2; minus strand). Cytogenetic location: 1q32.2.
Variant type: single nucleotide variant.
Coding change: c.2172G>A on transcript NM_025179.4 (MANE Select); coding-DNA position 2172, G replaced by A.
Protein change: p.Ala724=; no amino-acid change (alanine 724 retained).
Molecular consequence: synonymous variant.
Genome position (GRCh38, 1-based): chr1:208,084,506, C>T on the plus strand (G>A on the coding strand, the complement: PLXNA2 is on the minus strand). VCF-style: chr1-208084506-C-T. GRCh37 (hg19) VCF-style: chr1-208257851-C-T.
Other names: c.2172G>A (NM_025179.3).
Identifiers: ClinVar variation 1635767 (VCV001635767.9), dbSNP rs759361613, ClinGen allele CA1373614.
Genomic context (GRCh38, chr1:208,084,506, plus strand): 5'-TTGTATGTTGAGGACACACTCATAGCCTCGCTGGCCGGACTGCGGCTGGGGCAGATTTCG[C>T]GCCTTAAGGGTGATTGGCTTTACCTCCCCGACTGGAATCAAGATCTCCTCTGTGGGCACC-3'
Protein context (NP_079455.3, residues 714-734): VGEVKPITLK[Ala724=]RNLPQPQSGQ